The following is an entry in ClinVar:

NM_000368.5(TSC1):c.3023A>G (p.Asn1008Ser)

Gene: TSC1 (TSC complex subunit 1; minus strand). Cytogenetic location: 9q34.13.
Variant type: single nucleotide variant.
Coding change: c.3023A>G on transcript NM_000368.5 (MANE Select); coding-DNA position 3023, A replaced by G.
Protein change: p.Asn1008Ser; replaces asparagine 1008 with serine.
Molecular consequence: missense variant.
Genome position (GRCh38, 1-based): chr9:132,896,707, T>C on the plus strand (A>G on the coding strand, the complement: TSC1 is on the minus strand). VCF-style: chr9-132896707-T-C. GRCh37 (hg19) VCF-style: chr9-135772094-T-C.
Other names: c.3020A>G, p.Asn1007Ser (NM_001162426.2); c.2870A>G, p.Asn957Ser (NM_001162427.2); c.2660A>G, p.Asn887Ser (NM_001362177.2); short protein forms N1008S, N887S, N1007S, N957S.
Identifiers: ClinVar variation 466111 (VCV000466111.20), dbSNP rs1263094349, ClinGen allele CA375367854.

ClinVar aggregate classification (germline): Conflicting classifications of pathogenicity. Review status: criteria provided, conflicting classifications (1 of 4 stars). 7 submissions from 7 submitters: Uncertain significance (3); Likely benign (4). Last evaluated 2026-01-11.

Conditions:
TSC1-related disorder. Also called: TSC1-related condition.
Hereditary cancer-predisposing syndrome. Also called: Tumor predisposition; Hereditary neoplastic syndrome; Neoplastic Syndromes, Hereditary; Hereditary Cancer Syndrome. Identifiers: Orphanet 140162, MedGen C0027672, MeSH D009386, MONDO:0015356.
Tuberous sclerosis syndrome (TSC). Also called: Tuberous Sclerosis Complex; Tuberous sclerosis. Identifiers: Orphanet 805, MedGen C0041341, MONDO:0001734.
Isolated focal cortical dysplasia type II (FCORD2). Also called: CORTICAL DYSPLASIA OF TAYLOR; Focal cortical dysplasia type II. Identifiers: Orphanet 268994, MedGen C1846385, MONDO:0011818, OMIM 607341, HP:0032051.
Tuberous sclerosis 1 (TSC1). Identifiers: Orphanet 805, MedGen C1854465, MONDO:0008612, OMIM 191100.

Allele frequency attached by ClinVar (database versions not stated): gnomAD exomes below 0.00001 and 0.00002; gnomAD 0.00001; TOPMed 0.00001.
gnomAD v4.1: 37 of 1,613,862 alleles (0.0023%); highest among the groups gnomAD compares: Non-Finnish European, 0.0031%; no homozygotes.

Submissions (7):

Labcorp Genetics (formerly Invitae), Labcorp
Classification: Likely benign for Tuberous sclerosis 1. Last evaluated: 2026-01-11. Review status: criteria provided, single submitter. Criteria: Invitae Variant Classification Sherloc (09022015). Collection method: clinical testing. Allele origin: germline.

PreventionGenetics, part of Exact Sciences
Classification: Likely benign for TSC1-related condition. Last evaluated: 2026-01-05. Review status: criteria provided, single submitter. Criteria: ACMG Guidelines, 2015. Collection method: clinical testing. Allele origin: germline.
Comment: This variant is classified as likely benign based on ACMG/AMP sequence variant interpretation guidelines (Richards et al. 2015 PMID: 25741868, with internal and published modifications).

Ambry Genetics
Classification: Likely benign for Hereditary cancer-predisposing syndrome. Last evaluated: 2024-12-23. Review status: criteria provided, single submitter. Criteria: Ambry Variant Classification Scheme 2023. Collection method: clinical testing. Allele origin: germline.

All of Us Research Program, National Institutes of Health
Classification: Uncertain significance for Tuberous sclerosis syndrome. Last evaluated: 2023-12-01. Review status: criteria provided, single submitter. Criteria: ACMG Guidelines, 2015. Collection method: clinical testing. Allele origin: germline. Inheritance: Autosomal dominant inheritance. Observed: 2 variant alleles, 2 heterozygotes.
Comment: This study involves interpretation of variants in research participants for the purpose of population health screening. Participant phenotype was not available at the time of variant classification. Additional details can be found in publication PMID: 35346344, PMCID: PMC8962531

Baylor Genetics
Classification: Uncertain significance for Isolated focal cortical dysplasia type II. Last evaluated: 2023-10-26. Review status: criteria provided, single submitter. Criteria: ACMG Guidelines, 2015. Collection method: clinical testing. Allele origin: unknown.

Blueprint Genetics
Classification: Likely benign. Last evaluated: 2021-11-29. Review status: criteria provided, single submitter. Criteria: ACMG Guidelines, 2015. Collection method: clinical testing. Allele origin: germline.

Genome-Nilou Lab
Classification: Uncertain significance for Tuberous sclerosis 1. Last evaluated: 2021-11-07. Review status: criteria provided, single submitter. Criteria: ACMG Guidelines, 2015. Collection method: clinical testing. Allele origin: germline. Affected: no.